The following is an entry in ClinVar:

ClinVar aggregate classification (germline): Uncertain significance (1 of 4 stars; one submission).

Conditions:
Acromesomelic dysplasia 1, Maroteaux type (AMD1). Also called: ST. HELENA DYSPLASIA; ACROMESOMELIC DYSPLASIA 1. Identifiers: Orphanet 40, MedGen C1864356, MONDO:0011275, OMIM 602875.
Tall stature-scoliosis-macrodactyly of the great toes syndrome. Also called: Epiphyseal chondrodysplasia, miura type. Identifiers: Orphanet 329191, MedGen C4014690, MONDO:0014401, OMIM 615923.

gnomAD v4.1: 20 of 1,613,814 alleles (0.0012%); highest among the groups gnomAD compares: Admixed American, 0.022%; no homozygotes.

Submission:

Labcorp Genetics (formerly Invitae), Labcorp
Classification: Uncertain significance for Tall stature-scoliosis-macrodactyly of the great toes syndrome; Acromesomelic dysplasia 1, Maroteaux type. Last evaluated: 2024-12-23. Review status: criteria provided, single submitter. Criteria: Invitae Variant Classification Sherloc (09022015). Collection method: clinical testing. Allele origin: germline.
Comment: This sequence change replaces arginine, which is basic and polar, with glutamine, which is neutral and polar, at codon 358 of the NPR2 protein (p.Arg358Gln). This variant is present in population databases (rs375970096, gnomAD 0.04%). This variant has not been reported in the literature in individuals affected with NPR2-related conditions. Invitae Evidence Modeling of protein sequence and biophysical properties (such as structural, functional, and spatial information, amino acid conservation, physicochemical variation, residue mobility, and thermodynamic stability) indicates that this missense variant is not expected to disrupt NPR2 protein function with a negative predictive value of 80%. In summary, the available evidence is currently insufficient to determine the role of this variant in disease. Therefore, it has been classified as a Variant of Uncertain Significance.

NM_003995.4(NPR2):c.1073G>A (p.Arg358Gln)

Gene: NPR2 (natriuretic peptide receptor 2; plus strand). Cytogenetic location: 9p13.3.
Variant type: single nucleotide variant.
Coding change: c.1073G>A on transcript NM_003995.4 (MANE Select); coding-DNA position 1073, G replaced by A.
Protein change: p.Arg358Gln; replaces arginine 358 with glutamine.
Molecular consequence: missense variant.
Genome position (GRCh38, 1-based): chr9:35,800,107, G>A. VCF-style: chr9-35800107-G-A. GRCh37 (hg19) VCF-style: chr9-35800104-G-A.
Other names: c.1073G>A, p.Arg358Gln (NM_001378923.1); short protein forms R358Q.
Identifiers: ClinVar variation 3761723 (VCV003761723.2).